The following is an entry in ClinVar:

NM_001458.5(FLNC):c.643G>A (p.Val215Met)

Gene: FLNC (filamin C; plus strand). Cytogenetic location: 7q32.1.
Variant type: single nucleotide variant.
Coding change: c.643G>A on transcript NM_001458.5 (MANE Select); coding-DNA position 643, G replaced by A.
Protein change: p.Val215Met; replaces valine 215 with methionine.
Molecular consequence: missense variant.
Genome position (GRCh38, 1-based): chr7:128,837,201, G>A. VCF-style: chr7-128837201-G-A. GRCh37 (hg19) VCF-style: chr7-128477255-G-A.
Other names: c.643G>A, p.Val215Met (NM_001127487.2); short protein forms V215M.
Identifiers: ClinVar variation 424399 (VCV000424399.39), dbSNP rs754309921, ClinGen allele CA4474085.

ClinVar aggregate classification (germline): Conflicting classifications of pathogenicity. Review status: criteria provided, conflicting classifications (1 of 4 stars). 11 submissions from 11 submitters: Uncertain significance (9); Likely benign (2). Last evaluated 2026-06-16.

Conditions:
FLNC-related disorder. Also called: FLNC-related condition; FLNC-related disorders.
Hypertrophic cardiomyopathy 26. Also called: Cardiomyopathy, familial hypertrophic, 26. Identifiers: Orphanet 75249, MedGen C4310749, MONDO:0014883, OMIM 617047.
Myofibrillar myopathy 5. Also called: Filaminopathy (type); FILAMINOPATHY, AUTOSOMAL DOMINANT. Identifiers: Orphanet 171445, MedGen C1836050, MONDO:0012289, OMIM 609524.
Distal myopathy with posterior leg and anterior hand involvement. Also called: WILLIAMS DISTAL MYOPATHY. Identifiers: Orphanet 63273, MedGen C3279722, MONDO:0013550, OMIM 614065.
Cardiovascular phenotype. Identifiers: MedGen CN230736.

Allele frequency attached by ClinVar (database versions not stated): gnomAD exomes 0.00004; ExAC 0.00007; TOPMed 0.00007; gnomAD 0.00008 and 0.00009.
gnomAD v4.1: 143 of 1,603,752 alleles (0.0089%); highest among the groups gnomAD compares: African/African-American, 0.016%; no homozygotes.

Submissions (11):

PreventionGenetics, part of Exact Sciences
Classification: Uncertain significance for FLNC-related condition. Last evaluated: 2026-06-16. Review status: criteria provided, single submitter. Criteria: ACMG Guidelines, 2015. Collection method: clinical testing. Allele origin: germline.
Comment: The FLNC c.643G>A variant is predicted to result in the amino acid substitution p.Val215Met. This variant has been reported in an individual with limb-girdle weakness (Table S4, Töpf et al. 2020. PubMed ID: 32528171) and in an individual with cardiomyopathy (Akinrinade et al. 2023. PubMed ID: 37477868). This variant is reported in 0.0091% of alleles in individuals of African descent in gnomAD. At this time, the clinical significance of this variant is uncertain due to the absence of conclusive functional and genetic evidence.

Labcorp Genetics (formerly Invitae), Labcorp
Classification: Likely benign for Distal myopathy with posterior leg and anterior hand involvement; Myofibrillar myopathy 5; Hypertrophic cardiomyopathy 26. Last evaluated: 2025-12-15. Review status: criteria provided, single submitter. Criteria: Invitae Variant Classification Sherloc (09022015). Collection method: clinical testing. Allele origin: germline.

Molecular Diagnostic Laboratory for Inherited Cardiovascular Disease, Montreal Heart Institute
Classification: Uncertain significance for Cardiovascular phenotype. Last evaluated: 2025-04-09. Review status: criteria provided, single submitter. Criteria: ACMG Guidelines, 2015. Collection method: clinical testing. Allele origin: germline. Affected: yes.

CeGaT Center for Human Genetics Tuebingen
Classification: Uncertain significance. Last evaluated: 2024-10-01. Review status: criteria provided, single submitter. Criteria: CeGaT Center For Human Genetics Tuebingen Variant Classification Criteria Version 2. Collection method: clinical testing. Allele origin: germline. Affected: yes. Observed: 1 variant allele.
Comment: FLNC: PM2

Blueprint Genetics
Classification: Likely benign. Last evaluated: 2024-05-30. Review status: criteria provided, single submitter. Criteria: ACMG Guidelines, 2015. Collection method: clinical testing. Allele origin: germline.

Ambry Genetics
Classification: Uncertain significance for Cardiovascular phenotype. Last evaluated: 2024-01-18. Review status: criteria provided, single submitter. Criteria: Ambry Variant Classification Scheme 2023. Collection method: clinical testing. Allele origin: germline.
Comment: The p.V215M variant (also known as c.643G>A), located in coding exon 3 of the FLNC gene, results from a G to A substitution at nucleotide position 643. The valine at codon 215 is replaced by methionine, an amino acid with highly similar properties. This amino acid position is highly conserved in available vertebrate species. In addition, this alteration is predicted to be deleterious by in silico analysis. Since supporting evidence is limited at this time, the clinical significance of this alteration remains unclear.

Athena Diagnostics
Classification: Uncertain significance. Last evaluated: 2022-09-27. Review status: criteria provided, single submitter. Criteria: Athena Diagnostics Criteria. Collection method: clinical testing. Allele origin: unknown.
Comment: Available data are insufficient to determine the clinical significance of the variant at this time. The frequency of this variant in the general population is uninformative in assessment of its pathogenicity. This variant has been identified in at least one individual with clinical features associated with this gene. This variant has been seen where an alternate explanation for disease was also identified, suggesting this variant may not cause disease. Computational tools predict that this variant is damaging.

Revvity Omics, Revvity
Classification: Uncertain significance. Last evaluated: 2019-01-15. Review status: criteria provided, single submitter. Criteria: ACMG Guidelines, 2015. Collection method: clinical testing. Allele origin: germline.

Fulgent Genetics
Classification: Uncertain significance for Myofibrillar myopathy 5; Distal myopathy with posterior leg and anterior hand involvement; Hypertrophic cardiomyopathy 26. Last evaluated: 2018-10-31. Review status: criteria provided, single submitter. Criteria: ACMG Guidelines, 2015. Collection method: clinical testing. Allele origin: unknown.

GeneDx
Classification: Uncertain significance. Last evaluated: 2018-07-05. Review status: criteria provided, single submitter. Criteria: GeneDx Variant Classification (06012015). Collection method: clinical testing. Allele origin: germline. Affected: yes.
Comment: A variant of uncertain significance has been identified in the FLNC gene. The V215M variant has not been published as pathogenic or been reported as benign to our knowledge. This variant is observed at a global allele frequency of 12/255438 (0.005%) in large population cohorts (Lek et al., 2016). The V215M variant is a conservative amino acid substitution, which is not likely to impact secondary protein structure as these residues share similar properties. Additionally, in-silico analyses, including protein predictors and evolutionary conservation, support that this variant does not alter protein structure/function.

Broad Center for Mendelian Genomics, Broad Institute of MIT and Harvard
Classification: Uncertain significance for Distal myopathy with posterior leg and anterior hand involvement. Review status: criteria provided, single submitter. Criteria: ACMG Guidelines, 2015. Collection method: research. Allele origin: germline. Inheritance: Autosomal dominant inheritance. Affected: yes. Observed: 1 variant allele, 1 heterozygote. Study: Broad Institute Center for Mendelian Genomics (CMG).
Comment: This variant has not been reported in the literature, however it has been reported in ClinVar by by one clinical laboartory (ID: 424399). This variant has been identified in present in European (7/115,048), African (3/21,944), and East Asian (1/18,074) chromosomes at 0.01% by the Genome Aggregation Database (gnomAD; dbSNP rs754309921). Although this variant has been seen in the general population, its frequency is not high enough to rule out a pathogenic role. Computational prediction tools and conservation analyses suggest that this variant may impact the protein, though this information is not predictive enough to determine pathogenicity. In summary, the clinical significance of the p.Val215Met variant is uncertain.

Literature cited by the submitters: PubMed 32528171 (cited by Ambry Genetics and Athena Diagnostics); PubMed 37477868 (cited by Ambry Genetics).